The following is an entry in ClinVar:

ClinVar aggregate classification (germline): Uncertain significance. Review status: criteria provided, multiple submitters, no conflicts (2 of 4 stars). 2 submissions from 2 submitters: Uncertain significance (2). Last evaluated 2025-10-23.

gnomAD v4.1: 2 of 1,612,858 alleles (0.00012%); highest among the groups gnomAD compares: Non-Finnish European, 0.00017%; no homozygotes.

Submissions (2):

Labcorp Genetics (formerly Invitae), Labcorp
Classification: Uncertain significance. Last evaluated: 2025-10-23. Review status: criteria provided, single submitter. Criteria: Invitae Variant Classification Sherloc (09022015). Collection method: clinical testing. Allele origin: germline.
Comment: This sequence change replaces lysine, which is basic and polar, with glutamic acid, which is acidic and polar, at codon 8 of the CACNA1D protein (p.Lys8Glu). This variant is present in population databases (no rsID available, gnomAD 0.0009%). This variant has not been reported in the literature in individuals affected with CACNA1D-related conditions. ClinVar contains an entry for this variant (Variation ID: 2504477). Experimental studies and prediction algorithms are not available or were not evaluated, and the functional significance of this variant is currently unknown. In summary, the available evidence is currently insufficient to determine the role of this variant in disease. Therefore, it has been classified as a Variant of Uncertain Significance.

GeneDx
Classification: Uncertain significance. Last evaluated: 2025-02-12. Review status: criteria provided, single submitter. Criteria: GeneDx Variant Classification Process June 2021. Collection method: clinical testing. Allele origin: germline. Affected: yes.
Comment: Not observed at significant frequency in large population cohorts (gnomAD); In silico analysis indicates that this missense variant does not alter protein structure/function; Has not been previously published as pathogenic or benign to our knowledge

NM_001128840.3(CACNA1D):c.22A>G (p.Lys8Glu)

Gene: CACNA1D (calcium voltage-gated channel subunit alpha1 D; plus strand). Cytogenetic location: 3p21.1.
Variant type: single nucleotide variant.
Coding change: c.22A>G on transcript NM_001128840.3 (MANE Select); coding-DNA position 22, A replaced by G.
Protein change: p.Lys8Glu; replaces lysine 8 with glutamic acid.
Molecular consequence: missense variant.
Genome position (GRCh38, 1-based): chr3:53,495,188, A>G. VCF-style: chr3-53495188-A-G. GRCh37 (hg19) VCF-style: chr3-53529215-A-G.
Other names: c.22A>G, p.Lys8Glu (NM_000720.4, NM_001128839.3); short protein forms K8E.
Identifiers: ClinVar variation 2504477 (VCV002504477.3), dbSNP rs1362047729, ClinGen allele CA353381465.